The following is an entry in ClinVar:

ClinVar aggregate classification (germline): Uncertain significance (1 of 4 stars; one submission).

Submission:

Labcorp Genetics (formerly Invitae), Labcorp
Classification: Uncertain significance. Last evaluated: 2021-10-09. Review status: criteria provided, single submitter. Criteria: Invitae Variant Classification Sherloc (09022015). Collection method: clinical testing. Allele origin: germline.
Comment: This sequence change replaces glycine with glutamic acid at codon 2354 of the COL7A1 protein (p.Gly2354Glu). The glycine residue is highly conserved and there is a moderate physicochemical difference between glycine and glutamic acid. This variant is not present in population databases (ExAC no frequency). This missense change has been observed in individual(s) with clinical features of epidermolysis bullosa (Invitae). Advanced modeling of protein sequence and biophysical properties (such as structural, functional, and spatial information, amino acid conservation, physicochemical variation, residue mobility, and thermodynamic stability) performed at Invitae indicates that this missense variant is expected to disrupt COL7A1 protein function. This variant disrupts the triple helix domain of COL7A1. Glycine residues within the Gly-Xaa-Yaa repeats of the triple helix domain are required for the structure and stability of fibrillar collagens (PMID: 7695699, 8218237, 19344236), and variants at these glycine residues in COL7A1 are more frequently observed in individuals with disease than in the general population (PMID: 22058051). However, the clinical significance of this observation remains uncertain since only a limited number of affected individuals have been described to date. In summary, the available evidence is currently insufficient to determine the role of this variant in disease. Therefore, it has been classified as a Variant of Uncertain Significance.

Literature cited by the submitters: PubMed 7695699; PubMed 8218237; PubMed 19344236; PubMed 22058051.

NM_000094.4(COL7A1):c.7061G>A (p.Gly2354Glu)

Gene: COL7A1 (collagen type VII alpha 1 chain; minus strand). Cytogenetic location: 3p21.31.
Variant type: single nucleotide variant.
Coding change: c.7061G>A on transcript NM_000094.4 (MANE Select); coding-DNA position 7061, G replaced by A.
Protein change: p.Gly2354Glu; replaces glycine 2354 with glutamic acid.
Molecular consequence: missense variant.
Genome position (GRCh38, 1-based): chr3:48,572,008, C>T on the plus strand (G>A on the coding strand, the complement: COL7A1 is on the minus strand). VCF-style: chr3-48572008-C-T. GRCh37 (hg19) VCF-style: chr3-48609441-C-T.
Other names: short protein forms G2354E.
Identifiers: ClinVar variation 1419793 (VCV001419793.3), dbSNP rs2107654190, ClinGen allele CA352652115.
Genomic context (GRCh38, chr3:48,572,008, plus strand): 5'-CCGCCATCACACTCCTCAGGCCAGGCTCGCCCTTGCCTAGGCCCCGGACTCACATCTTCC[C>T]CAGGGTCTCCGGGCTCCCCTGCACGGCCAGCTTCACCCTGCACAGAATGGCAGGTGAGGG-3'
Protein context (NP_000085.1, residues 2344-2364): AGRAGEPGDP[Gly2354Glu]EDGQKGAPGP